The following is an entry in ClinVar:

NM_032730.5(RTN4IP1):c.952T>C (p.Leu318=)

Gene: RTN4IP1 (reticulon 4 interacting protein 1; minus strand). Cytogenetic location: 6q21.
Variant type: single nucleotide variant.
Coding change: c.952T>C on transcript NM_032730.5 (MANE Select); coding-DNA position 952, T replaced by C.
Protein change: p.Leu318=; no amino-acid change (leucine 318 retained).
Molecular consequence: synonymous variant.
Genome position (GRCh38, 1-based): chr6:106,587,717, A>G on the plus strand (T>C on the coding strand, the complement: RTN4IP1 is on the minus strand). VCF-style: chr6-106587717-A-G. GRCh37 (hg19) VCF-style: chr6-107035592-A-G.
Other names: c.652T>C, p.Leu218= (NM_001318746.1).
Identifiers: ClinVar variation 2004489 (VCV002004489.9), dbSNP rs761463573, ClinGen allele CA3944329.

ClinVar aggregate classification (germline): Likely benign. Review status: criteria provided, multiple submitters, no conflicts (2 of 4 stars). 3 submissions from 3 submitters: Likely benign (3). Last evaluated 2025-12-01.

Allele frequency attached by ClinVar (database versions not stated): ExAC 0.00001; gnomAD 0.00001; gnomAD exomes 0.00001; TOPMed 0.00002.
gnomAD v4.1: 7 of 1,613,346 alleles (0.00043%); highest among the groups gnomAD compares: Admixed American, 0.012%; no homozygotes.

Submissions (3):

CeGaT Center for Human Genetics Tuebingen
Classification: Likely benign. Last evaluated: 2025-12-01. Review status: criteria provided, single submitter. Criteria: CeGaT Center For Human Genetics Tuebingen Variant Classification Criteria Version 2. Collection method: clinical testing. Allele origin: germline. Affected: yes. Observed: 1 variant allele.
Comment: RTN4IP1: BP4, BP7

Labcorp Genetics (formerly Invitae), Labcorp
Classification: Likely benign. Last evaluated: 2022-11-08. Review status: criteria provided, single submitter. Criteria: Invitae Variant Classification Sherloc (09022015). Collection method: clinical testing. Allele origin: germline.

Blueprint Genetics
Classification: Likely benign. Last evaluated: 2019-09-25. Review status: criteria provided, single submitter. Criteria: ACMG Guidelines, 2015. Collection method: clinical testing. Allele origin: germline.